The following is an entry in ClinVar:

NM_007294.4(BRCA1):c.134+4313C>T

Gene: BRCA1 (BRCA1 DNA repair associated; minus strand). Cytogenetic location: 17q21.31.
Variant type: single nucleotide variant.
Coding change: c.134+4313C>T on transcript NM_007294.4 (MANE Select); 4313 bases into the intron after coding-DNA position 134, C replaced by T.
Molecular consequence: intron variant.
Genome position (GRCh38, 1-based): chr17:43,111,413, G>A on the plus strand (C>T on the coding strand, the complement: BRCA1 is on the minus strand). VCF-style: chr17-43111413-G-A. GRCh37 (hg19) VCF-style: chr17-41263430-G-A.
Other names: IVS 3+4313C>T; c.-8+4313C>T (NM_001408458.1, NM_001408470.1, NM_001407848.1 and 47 more transcripts); c.-219+13864C>T (NM_001407967.1); c.-169-6457C>T (NM_001407959.1, NM_001407963.1); c.-7-4880C>T (NM_001407931.1, NM_001407747.1, NM_001408461.1 and 30 more transcripts); c.-170+4313C>T (NM_001407962.1, NM_001408512.1, NM_001408510.1 and 1 more transcripts); c.-55+4313C>T (NM_001407885.1, NM_001407886.1, NM_001408509.1 and 52 more transcripts); c.-123-833C>T (NM_001407746.1, NM_001408468.1, NM_001407842.1 and 13 more transcripts); and 10 more.
Identifiers: ClinVar variation 209514 (VCV000209514.2), dbSNP rs8176118, ClinGen allele CA276483.

ClinVar aggregate classification (germline): Benign (3 of 4 stars; one submission).

Conditions:
Breast-ovarian cancer, familial, susceptibility to, 1 (BROVCA1). Also called: BRCA1 Hereditary Breast and Ovarian Cancer; OVARIAN CANCER, SUSCEPTIBILITY TO. Identifiers: Orphanet 145, MedGen C2676676, MONDO:0011450, OMIM 604370. Disease mechanism: loss of function.

Allele frequency attached by ClinVar (database versions not stated): gnomAD 0.01179 and 0.01144; 1000 Genomes Project 0.00399; 1000 Genomes Project 30x 0.00500; TOPMed 0.01113.
gnomAD v4.1: 1,737 of 152,098 alleles (1.1%); highest among the groups gnomAD compares: Non-Finnish European, 1.9%; 18 homozygotes.

Submission:

Evidence-based Network for the Interpretation of Germline Mutant Alleles (ENIGMA)
Classification: Benign for Breast-ovarian cancer, familial 1. Last evaluated: 2015-01-12. Review status: reviewed by expert panel. Criteria: ENIGMA BRCA1/2 Classification Criteria (2015). Collection method: curation. Allele origin: germline.
Comment: Class 1 not pathogenic based on frequency >1% in an outbred sampleset. Frequency 0.01451 (European), derived from 1000 genomes (2012-04-30).